The following is an entry in ClinVar:

ClinVar aggregate classification (germline): Pathogenic (1 of 4 stars; one submission).

gnomAD v4.1: 7 of 1,555,114 alleles (0.00045%); highest among the groups gnomAD compares: Non-Finnish European, 0.00061%; no homozygotes.

Submission:

Labcorp Genetics (formerly Invitae), Labcorp
Classification: Pathogenic. Last evaluated: 2022-10-28. Review status: criteria provided, single submitter. Criteria: Invitae Variant Classification Sherloc (09022015). Collection method: clinical testing. Allele origin: germline.
Comment: Algorithms developed to predict the effect of sequence changes on RNA splicing suggest that this variant may disrupt the consensus splice site. This sequence change affects an acceptor splice site in intron 15 of the MYO7A gene. It is expected to disrupt RNA splicing. Variants that disrupt the donor or acceptor splice site typically lead to a loss of protein function (PMID: 16199547), and loss-of-function variants in MYO7A are known to be pathogenic (PMID: 8900236, 25404053). This variant is not present in population databases (gnomAD no frequency). Disruption of this splice site has been observed in individuals with Usher syndrome (PMID: 27460420; Invitae). ClinVar contains an entry for this variant (Variation ID: 1469040). For these reasons, this variant has been classified as Pathogenic.

Literature cited by the submitters: PubMed 16199547; PubMed 8900236; PubMed 25404053; PubMed 27460420.

NM_000260.4(MYO7A):c.1798-2A>C

Gene: MYO7A (myosin VIIA; plus strand). Cytogenetic location: 11q13.5.
Variant type: single nucleotide variant.
Coding change: c.1798-2A>C on transcript NM_000260.4 (MANE Select); the canonical splice acceptor site of the intron before coding-DNA position 1798, A replaced by C.
Molecular consequence: splice acceptor variant.
Genome position (GRCh38, 1-based): chr11:77,172,746, A>C. VCF-style: chr11-77172746-A-C. GRCh37 (hg19) VCF-style: chr11-76883792-A-C.
Other names: c.1765-2A>C (NM_001369365.1); c.1798-2A>C (NM_001127180.2).
Identifiers: ClinVar variation 1469040 (VCV001469040.8), dbSNP rs894309052, ClinGen allele CA224836002.